The following is an entry in ClinVar:

NM_004667.6(HERC2):c.10863C>T (p.Thr3621=)

Gene: HERC2 (HECT and RLD domain containing E3 ubiquitin protein ligase 2; minus strand). Cytogenetic location: 15q13.1.
Variant type: single nucleotide variant.
Coding change: c.10863C>T on transcript NM_004667.6 (MANE Select); coding-DNA position 10863, C replaced by T.
Protein change: p.Thr3621=; no amino-acid change (threonine 3621 retained).
Molecular consequence: synonymous variant.
Genome position (GRCh38, 1-based): chr15:28,152,714, G>A on the plus strand (C>T on the coding strand, the complement: HERC2 is on the minus strand). VCF-style: chr15-28152714-G-A. GRCh37 (hg19) VCF-style: chr15-28397860-G-A.
Identifiers: ClinVar variation 3054573 (VCV003054573.2), dbSNP rs549144322, ClinGen allele CA7440743.

ClinVar aggregate classification (germline): Likely benign (0 of 4 stars; one submission).

Conditions:
HERC2-related disorder. Also called: HERC2-related condition.

Allele frequency attached by ClinVar (database versions not stated): TOPMed 0.00002; ExAC 0.00014; gnomAD 0.00047; 1000 Genomes Project 30x 0.00016; gnomAD exomes 0.00018; 1000 Genomes Project 0.00020.
gnomAD v4.1: 323 of 1,551,314 alleles (0.021%); highest among the groups gnomAD compares: South Asian, 0.014%; no homozygotes.

Submission:

PreventionGenetics, part of Exact Sciences
Classification: Likely benign for HERC2-related condition. Last evaluated: 2022-07-14. Review status: no assertion criteria provided. Collection method: clinical testing. Allele origin: germline.
Comment: This variant is classified as likely benign based on ACMG/AMP sequence variant interpretation guidelines (Richards et al. 2015 PMID: 25741868, with internal and published modifications).